The following is an entry in ClinVar:

NM_000094.4(COL7A1):c.8272del (p.Val2758fs)

Gene: COL7A1 (collagen type VII alpha 1 chain; minus strand). Cytogenetic location: 3p21.31.
Variant type: Deletion.
Coding change: c.8272del on transcript NM_000094.4 (MANE Select); coding-DNA position 8272, one base deleted (G; older notation c.8272delG).
Protein change: p.Val2758fs; shifts the reading frame from valine 2758.
Molecular consequence: frameshift variant.
Genome position (GRCh38, 1-based): chr3:48,566,692, C deleted on the plus strand (G on the coding strand, the reverse complement: COL7A1 is on the minus strand); the first of 4 consecutive C bases (chr3:48,566,692-48,566,695); deleting any one gives the same sequence. VCF-style (leftmost placement, unchanged base first): chr3-48566691-AC-A. GRCh37 (hg19) VCF-style: chr3-48604124-AC-A.
Other names: c.8272delG (NM_000094.3); short protein forms V2758fs.
Identifiers: ClinVar variation 503806 (VCV000503806.10), dbSNP rs1553849789, ClinGen allele CA658796303.

ClinVar aggregate classification (germline): Pathogenic/Likely pathogenic. Review status: criteria provided, multiple submitters, no conflicts (2 of 4 stars). 4 submissions from 4 submitters: Pathogenic (3); Likely pathogenic (1). Last evaluated 2026-01-21.

Conditions:
Nonsyndromic congenital nail disorder 8. Also called: TOENAIL DYSTROPHY, ISOLATED. Identifiers: MedGen C1843761, MONDO:0011852, OMIM 607523.
Recessive dystrophic epidermolysis bullosa (RDEB). Also called: DYSTROPHIC EPIDERMOLYSIS BULLOSA, AUTOSOMAL RECESSIVE; EPIDERMOLYSIS BULLOSA DYSTROPHICA, HALLOPEAU-SIEMENS TYPE; EPIDERMOLYSIS BULLOSA DYSTROPHICA, GENERALIZED SEVERE, AUTOSOMAL RECESSIVE; Hallopeau-Siemens Disease; Epidermolysis Bullosa Distrophica Autosomal Recessive (RDEB); Recessive DEB (RDEB). Identifiers: Orphanet 79408, Orphanet 79409, MedGen C0079474, MONDO:0009179, OMIM 226600.
Epidermolysis bullosa pruriginosa. Also called: DEB, PRURIGINOSA; DYSTROPHIC EPIDERMOLYSIS BULLOSA PRURIGINOSA. Identifiers: Orphanet 89843, MedGen C1275114, MONDO:0011398, OMIM 604129.
Dominant dystrophic epidermolysis bullosa with absence of skin. Also called: EPIDERMOLYSIS BULLOSA DYSTROPHICA, BART TYPE; EPIDERMOLYSIS BULLOSA WITH CONGENITAL LOCALIZED ABSENCE OF SKIN AND DEFORMITY OF NAILS. Identifiers: MedGen C0268371, MONDO:0007557, OMIM 132000.
Pretibial dystrophic epidermolysis bullosa. Also called: Pretibial blistering; EPIDERMOLYSIS BULLOSA DYSTROPHICA, PRETIBIAL; Pretibial epidermolysis bullosa. Identifiers: Orphanet 79410, MedGen C0432321, MONDO:0007552, OMIM 131850, HP:0012221.
Generalized dominant dystrophic epidermolysis bullosa (DDEB). Also called: DDEB, generalized; DDEB-gen; DYSTROPHIC EPIDERMOLYSIS BULLOSA, AUTOSOMAL DOMINANT; Epidermolysis bullosa dystrophica, autosomal dominant; Dominant DEB (DDEB). Identifiers: Orphanet 231568, MedGen C0432322, MONDO:0007549, OMIM 131750.
Transient bullous dermolysis of the newborn (TBDN). Also called: DYSTROPHIC EPIDERMOLYSIS BULLOSA, NEONATAL; EPIDERMOLYSIS BULLOSA DYSTROPHICA, NEONATAL FORM. Identifiers: Orphanet 79411, MedGen C1851573, MONDO:0007548, OMIM 131705.

Submissions (4):

Myriad Genetics, Inc.
Classification: Pathogenic for Recessive dystrophic epidermolysis bullosa. Last evaluated: 2026-01-21. Review status: criteria provided, single submitter. Criteria: Myriad Autosomal Dominant, Autosomal Recessive and X-Linked Classification Criteria (2023). Collection method: clinical testing. Allele origin: unknown.
Comment: NM_000094.3(COL7A1):c.8272delG(V2758Sfs*28) is expected to be pathogenic in the context of dystrophic epidermolysis bullosa. This variant is predicted to lead to an abnormal or absent protein product due to the creation of a premature termination codon in COL7A1, a gene where loss-of-function variants are known to be pathogenic. Please note: this variant was assessed in the context of healthy population screening.

Labcorp Genetics (formerly Invitae), Labcorp
Classification: Pathogenic. Last evaluated: 2026-01-14. Review status: criteria provided, single submitter. Criteria: Invitae Variant Classification Sherloc (09022015). Collection method: clinical testing. Allele origin: germline.
Comment: This sequence change creates a premature translational stop signal (p.Val2758Serfs*28) in the COL7A1 gene. It is expected to result in an absent or disrupted protein product. Loss-of-function variants in COL7A1 are known to be pathogenic (PMID: 16971478). This variant is not present in population databases (gnomAD no frequency). This variant has not been reported in the literature in individuals affected with COL7A1-related conditions. ClinVar contains an entry for this variant (Variation ID: 503806). For these reasons, this variant has been classified as Pathogenic.

GeneDx
Classification: Pathogenic. Last evaluated: 2019-01-07. Review status: criteria provided, single submitter. Criteria: GeneDx Variant Classification (06012015). Collection method: clinical testing. Allele origin: germline. Affected: yes.
Comment: The c.8272delG variant in the COL7A1 gene has not been reported previously as a pathogenic variant nor as a benign variant, to our knowledge. This variant causes a frameshift starting with codon Valine 2758, changes this amino acid to a Serine residue, and creates a premature Stop codon at position 28 of the new reading frame, denoted p.Val2758SerfsX28. The c.8272delG variant is predicted to cause loss of normal protein function either through protein truncation or nonsense-mediated mRNA decay. This variant is not observed in large population cohorts (Lek et al., 2016). We interpret c.8272delG as a pathogenic variant.

Juno Genomics, Hangzhou Juno Genomics, Inc
Classification: Likely pathogenic for Recessive dystrophic epidermolysis bullosa; Generalized dominant dystrophic epidermolysis bullosa; Dominant dystrophic epidermolysis bullosa with absence of skin; Nonsyndromic congenital nail disorder 8; Epidermolysis bullosa pruriginosa; Pretibial dystrophic epidermolysis bullosa; Transient bullous dermolysis of the newborn. Review status: criteria provided, single submitter. Criteria: ACMG Guidelines, 2015. Collection method: clinical testing. Allele origin: germline.
Comment: Null variant in a gene where loss of function (LOF) is a known mechanism of disease.;Absent from controls (or at extremely low frequency if recessive) in Genome Aggregation Database.

Literature cited by the submitters: PubMed 16971478 (cited by Labcorp Genetics (formerly Invitae), Labcorp).